The following is an entry in ClinVar:

ClinVar aggregate classification (germline): Benign/Likely benign. Review status: criteria provided, multiple submitters, no conflicts (2 of 4 stars). 3 submissions from 3 submitters: Benign (1); Likely benign (2). Last evaluated 2026-04-16.

Conditions:
Hereditary cancer-predisposing syndrome. Also called: Hereditary neoplastic syndrome; Neoplastic Syndromes, Hereditary; Hereditary Cancer Syndrome; Tumor predisposition. Identifiers: Orphanet 140162, MedGen C0027672, MeSH D009386, MONDO:0015356.
DICER1-related tumor predisposition. Also called: DICER1-related pleuropulmonary blastoma cancer predisposition syndrome; DICER1 syndrome. Identifiers: Orphanet 284343, MedGen C3839822, MONDO:0100216.

Allele frequency attached by ClinVar (database versions not stated): gnomAD exomes 0.00001 and below 0.00001; gnomAD 0.00003; TOPMed 0.00002; ExAC 0.00001.
gnomAD v4.1: 17 of 1,613,618 alleles (0.0011%); highest among the groups gnomAD compares: African/African-American, 0.0053%; no homozygotes.

Submissions (3):

Myriad Genetics, Inc.
Classification: Benign for DICER1-related tumor predisposition. Last evaluated: 2026-04-16. Review status: criteria provided, single submitter. Criteria: Myriad Autosomal Dominant, Autosomal Recessive and X-Linked Classification Criteria (2023). Collection method: clinical testing. Allele origin: unknown.
Comment: This variant is considered benign. This variant is a silent/synonymous amino acid change and it is not expected to impact splicing.

Labcorp Genetics (formerly Invitae), Labcorp
Classification: Likely benign for DICER1-related tumor predisposition. Last evaluated: 2025-11-21. Review status: criteria provided, single submitter. Criteria: Invitae Variant Classification Sherloc (09022015). Collection method: clinical testing. Allele origin: germline.

Ambry Genetics
Classification: Likely benign for Hereditary cancer-predisposing syndrome. Last evaluated: 2017-05-18. Review status: criteria provided, single submitter. Criteria: Ambry Variant Classification Scheme 2023. Collection method: clinical testing. Allele origin: germline.

NM_177438.3(DICER1):c.2790C>T (p.Ala930=)

Gene: DICER1 (dicer 1, ribonuclease III; minus strand). Cytogenetic location: 14q32.13.
Variant type: single nucleotide variant.
Coding change: c.2790C>T on transcript NM_177438.3 (MANE Select); coding-DNA position 2790, C replaced by T.
Protein change: p.Ala930=; no amino-acid change (alanine 930 retained).
Molecular consequence: synonymous variant.
Genome position (GRCh38, 1-based): chr14:95,107,622, G>A on the plus strand (C>T on the coding strand, the complement: DICER1 is on the minus strand). VCF-style: chr14-95107622-G-A. GRCh37 (hg19) VCF-style: chr14-95573959-G-A.
Other names: c.2790C>T, p.Ala930= (NM_001195573.1, NM_001271282.3, NM_001291628.2 and 1 more transcripts).
Identifiers: ClinVar variation 479614 (VCV000479614.18), dbSNP rs780094393, ClinGen allele CA7331182.